The following is an entry in ClinVar:

NM_001111.5(ADAR):c.1402G>A (p.Ala468Thr)

Gene: ADAR (adenosine deaminase RNA specific; minus strand). Cytogenetic location: 1q21.3.
Variant type: single nucleotide variant.
Coding change: c.1402G>A on transcript NM_001111.5 (MANE Select); coding-DNA position 1402, G replaced by A.
Protein change: p.Ala468Thr; replaces alanine 468 with threonine.
Molecular consequence: missense variant.
Genome position (GRCh38, 1-based): chr1:154,601,240, C>T on the plus strand (G>A on the coding strand, the complement: ADAR is on the minus strand). VCF-style: chr1-154601240-C-T. GRCh37 (hg19) VCF-style: chr1-154573716-C-T.
Other names: c.517G>A, p.Ala173Thr (NM_001025107.3, NM_001193495.2, NM_001365046.1 and 3 more transcripts); c.1429G>A, p.Ala477Thr (NM_001365045.1); c.1402G>A, p.Ala468Thr (NM_015840.4, NM_015841.4, LRG_1212t1); short protein forms A468T, A477T, A173T.
Identifiers: ClinVar variation 581836 (VCV000581836.8), dbSNP rs761708272, ClinGen allele CA1131552.

ClinVar aggregate classification (germline): Uncertain significance (1 of 4 stars; one submission).

Conditions:
Aicardi-Goutieres syndrome 6 (AGS6). Identifiers: Orphanet 51, MedGen C3539013, MONDO:0014007, OMIM 615010.
Symmetrical dyschromatosis of extremities (DSH). Also called: DYSCHROMATOSIS SYMMETRICA HEREDITARIA 1; RETICULATE ACROPIGMENTATION OF DOHI; SYMMETRIC DYSCHROMATOSIS OF THE EXTREMITIES; Dyschromatosis symmetrica hereditaria. Identifiers: Orphanet 41, MedGen C0406775, MONDO:0007483, OMIM 127400.

Allele frequency attached by ClinVar (database versions not stated): ExAC 0.00001; gnomAD exomes 0.00001; gnomAD 0.00004; TOPMed 0.00004.
gnomAD v4.1: 29 of 1,614,108 alleles (0.0018%); highest among the groups gnomAD compares: Non-Finnish European, 0.0022%; no homozygotes.

Submission:

Labcorp Genetics (formerly Invitae), Labcorp
Classification: Uncertain significance for Aicardi-Goutieres syndrome 6; Symmetrical dyschromatosis of extremities. Last evaluated: 2025-12-29. Review status: criteria provided, single submitter. Criteria: Invitae Variant Classification Sherloc (09022015). Collection method: clinical testing. Allele origin: germline.
Comment: This sequence change replaces alanine, which is neutral and non-polar, with threonine, which is neutral and polar, at codon 468 of the ADAR protein (p.Ala468Thr). This variant is present in population databases (rs761708272, gnomAD 0.002%). This variant has not been reported in the literature in individuals affected with ADAR-related conditions. ClinVar contains an entry for this variant (Variation ID: 581836). Invitae Evidence Modeling of protein sequence and biophysical properties (such as structural, functional, and spatial information, amino acid conservation, physicochemical variation, residue mobility, and thermodynamic stability) indicates that this missense variant is not expected to disrupt ADAR protein function with a negative predictive value of 80%. In summary, the available evidence is currently insufficient to determine the role of this variant in disease. Therefore, it has been classified as a Variant of Uncertain Significance.